The following is an entry in ClinVar:

ClinVar aggregate classification (germline): Uncertain significance (1 of 4 stars; one submission).

Conditions:
Combined immunodeficiency due to DOCK8 deficiency (HIES2). Also called: HYPER-IgE RECURRENT INFECTION SYNDROME 2, AUTOSOMAL RECESSIVE; HYPER-IgE SYNDROME 2, AUTOSOMAL RECESSIVE, WITH RECURRENT INFECTIONS; HIES autosomal recessive; DOCK8 Deficiency; Hyper-IgE recurrent infection syndrome, autosomal recessive. Identifiers: Orphanet 217390, MedGen C4722305, MONDO:0009478, OMIM 243700.

Submission:

Labcorp Genetics (formerly Invitae), Labcorp
Classification: Uncertain significance for Hyper-Immunoglobulin E Syndrome, Autosomal Recessive. Last evaluated: 2019-12-06. Review status: criteria provided, single submitter. Criteria: Invitae Variant Classification Sherloc (09022015). Collection method: clinical testing. Allele origin: germline.
Comment: This sequence change replaces aspartic acid with histidine at codon 425 of the DOCK8 protein (p.Asp425His). The aspartic acid residue is weakly conserved and there is a moderate physicochemical difference between aspartic acid and histidine. This variant is not present in population databases (ExAC no frequency). This variant has not been reported in the literature in individuals with DOCK8-related conditions. Algorithms developed to predict the effect of missense changes on protein structure and function are either unavailable or do not agree on the potential impact of this missense change (SIFT: "Tolerated"; PolyPhen-2: "Possibly Damaging"; Align-GVGD: "Class C0"). In summary, the available evidence is currently insufficient to determine the role of this variant in disease. Therefore, it has been classified as a Variant of Uncertain Significance.

NM_203447.4(DOCK8):c.1273G>C (p.Asp425His)

Gene: DOCK8 (dedicator of cytokinesis 8; plus strand). Cytogenetic location: 9p24.3.
Variant type: single nucleotide variant.
Coding change: c.1273G>C on transcript NM_203447.4 (MANE Select); coding-DNA position 1273, G replaced by C.
Protein change: p.Asp425His; replaces aspartic acid 425 with histidine.
Molecular consequence: missense variant.
Genome position (GRCh38, 1-based): chr9:334,372, G>C. VCF-style: chr9-334372-G-C. GRCh37 (hg19) VCF-style: chr9-334372-G-C.
Other names: c.1069G>C, p.Asp357His (NM_001190458.2, NM_001193536.2); short protein forms D357H, D425H.
Identifiers: ClinVar variation 855368 (VCV000855368.1), dbSNP rs2051205176, ClinGen allele CA372752925.
Genomic context (GRCh38, chr9:334,372, plus strand): 5'-CCCATAAGCTTATCAAGCTTCTTCAATGTCTCCACCCTTGAGAGGGAGGTAACTGATGTG[G>C]ACTCTGTGGTTGGTAAGATTTTCACCTGCAGTGGGAAAGGGAGGGCTCCCCAGTGTGCGC-3'
Protein context (NP_982272.2, residues 415-435): STLEREVTDV[Asp425His]SVVGRSSVGE